The following is an entry in ClinVar:

NM_001267550.2(TTN):c.20836+3del

Gene: TTN (titin; minus strand). Cytogenetic location: 2q31.2.
Variant type: Deletion.
Coding change: c.20836+3del on transcript NM_001267550.2 (MANE Select); 3 bases into the intron after coding-DNA position 20836, one base deleted (T; older notation c.20836+3delT).
Molecular consequence: splice donor variant. On other transcripts: intron variant (3).
Genome position (GRCh38, 1-based): chr2:178,725,365, A deleted on the plus strand (T on the coding strand, the reverse complement: TTN is on the minus strand); the first of 2 consecutive A bases (chr2:178,725,365-178,725,366); deleting either gives the same sequence. VCF-style (leftmost placement, unchanged base first): chr2-178725364-CA-C. GRCh37 (hg19) VCF-style: chr2-179590091-CA-C.
Other names: c.13282+12717del (NM_003319.4); c.13858+12717del (NM_133437.4); c.13657+12717del (NM_133432.3); c.17104+3del (NM_133378.4); c.19885+3del (NM_001256850.1).
Identifiers: ClinVar variation 3757219 (VCV003757219.2).
Genomic context (GRCh38, chr2:178,725,364, plus strand): 5'-AGTAACTCTTAGTAATTCATTCCAGCATTTGGCACCAGTTTCTATCGTGGGCTATTGTAC[CA>C]ACCTAAGACCATCAGTGTGGCCATGTTCTCCCTCATTCCACCATCATTCTTGATTTGGCA-3'

ClinVar aggregate classification (germline): Uncertain significance (1 of 4 stars; one submission).

Conditions:
Dilated cardiomyopathy 1G (CMD1G). Identifiers: Orphanet 154, MedGen C1858763, MONDO:0011400, OMIM 604145.
Autosomal recessive limb-girdle muscular dystrophy type 2J (LGMDR10). Also called: Limb-girdle muscular dystrophy, type 2J; MUSCULAR DYSTROPHY, LIMB-GIRDLE, AUTOSOMAL RECESSIVE 10. Identifiers: Orphanet 140922, MedGen C1837342, MONDO:0012127, OMIM 608807.

Submission:

Labcorp Genetics (formerly Invitae), Labcorp
Classification: Uncertain significance for Dilated cardiomyopathy 1G; Autosomal recessive limb-girdle muscular dystrophy type 2J. Last evaluated: 2024-07-19. Review status: criteria provided, single submitter. Criteria: Invitae Variant Classification Sherloc (09022015). Collection method: clinical testing. Allele origin: germline.
Comment: This sequence change falls in intron 71 of the TTN gene. It does not directly change the encoded amino acid sequence of the TTN protein. It affects a nucleotide within the consensus splice site. This variant is not present in population databases (gnomAD no frequency). This variant has not been reported in the literature in individuals affected with TTN-related conditions. Variants that disrupt the consensus splice site are a relatively common cause of aberrant splicing (PMID: 17576681, 9536098). Algorithms developed to predict the effect of sequence changes on RNA splicing suggest that this variant may disrupt the consensus splice site. This variant is located in the I band of TTN (PMID: 25589632). Non-truncating variants in this region may be clinically relevant, but have not been definitively shown to cause cardiomyopathy or neuromuscular disease (PMID: 27493940, 32778822). In summary, the available evidence is currently insufficient to determine the role of this variant in disease. Therefore, it has been classified as a Variant of Uncertain Significance.

Literature cited by the submitters: PubMed 17576681; PubMed 9536098; PubMed 25589632; PubMed 27493940; PubMed 32778822.